The following is an entry in ClinVar:

NM_001347721.2(DYRK1A):c.1240C>T (p.Leu414Phe)

Gene: DYRK1A (dual specificity tyrosine phosphorylation regulated kinase 1A; plus strand). Cytogenetic location: 21q22.13.
Variant type: single nucleotide variant.
Coding change: c.1240C>T on transcript NM_001347721.2 (MANE Select); coding-DNA position 1240, C replaced by T.
Protein change: p.Leu414Phe; replaces leucine 414 with phenylalanine.
Molecular consequence: missense variant.
Genome position (GRCh38, 1-based): chr21:37,505,310, C>T. VCF-style: chr21-37505310-C-T. GRCh37 (hg19) VCF-style: chr21-38877613-C-T.
Other names: c.1240C>T, p.Leu414Phe (NM_001347722.2, NM_130436.2); c.1153C>T, p.Leu385Phe (NM_001347723.2); c.1267C>T, p.Leu423Phe (NM_001396.5, NM_101395.2, NM_130438.2); short protein forms L423F, L385F, L414F.
Identifiers: ClinVar variation 426400 (VCV000426400.11), dbSNP rs202018285, ClinGen allele CA10023955.

ClinVar aggregate classification (germline): Uncertain significance. Review status: criteria provided, multiple submitters, no conflicts (2 of 4 stars). 2 submissions from 2 submitters: Uncertain significance (2). Last evaluated 2022-09-27.

Conditions:
DYRK1A-related intellectual disability syndrome (MRD7). Also called: DYRK1A Syndrome; Intellectual developmental disorder, autosomal dominant 7. Identifiers: Orphanet 464306, MedGen C5568143, MONDO:0013578, OMIM 614104.

Allele frequency attached by ClinVar (database versions not stated): gnomAD exomes below 0.00001 and 0.00001; ExAC 0.00001; gnomAD 0.00005; TOPMed 0.00005; 1000 Genomes Project 30x 0.00016; 1000 Genomes Project 0.00020.
gnomAD v4.1: 12 of 1,613,752 alleles (0.00074%); highest among the groups gnomAD compares: African/African-American, 0.016%; no homozygotes.

Submissions (2):

Labcorp Genetics (formerly Invitae), Labcorp
Classification: Uncertain significance for DYRK1A-related intellectual disability syndrome. Last evaluated: 2022-09-27. Review status: criteria provided, single submitter. Criteria: Invitae Variant Classification Sherloc (09022015). Collection method: clinical testing. Allele origin: germline.
Comment: In summary, the available evidence is currently insufficient to determine the role of this variant in disease. Therefore, it has been classified as a Variant of Uncertain Significance. Advanced modeling of protein sequence and biophysical properties (such as structural, functional, and spatial information, amino acid conservation, physicochemical variation, residue mobility, and thermodynamic stability) performed at Invitae indicates that this missense variant is not expected to disrupt DYRK1A protein function. ClinVar contains an entry for this variant (Variation ID: 426400). This variant has not been reported in the literature in individuals affected with DYRK1A-related conditions. This variant is present in population databases (rs202018285, gnomAD 0.02%). This sequence change replaces leucine, which is neutral and non-polar, with phenylalanine, which is neutral and non-polar, at codon 423 of the DYRK1A protein (p.Leu423Phe).

GeneDx
Classification: Uncertain significance. Last evaluated: 2017-04-18. Review status: criteria provided, single submitter. Criteria: GeneDx Variant Classification (06012015). Collection method: clinical testing. Allele origin: germline. Affected: yes.
Comment: A variant of uncertain significance has been identified in the DYRK1A gene. The L423F variant has not been published as a pathogenic variant, nor has it been reported as a benign variant to our knowledge. The L423F variant is observed in 1/10368 (0.01%) alleles from individuals of African background, (Lek et al., 2016; 1000 Genomes Consortium et al., 2015; Exome Variant Server). This substitution occurs at a position that is conserved across species. In silico analysis predicts this variant is probably damaging to the protein structure/function. However, the L423F variant is a conservative amino acid substitution, which is not likely to impact secondary protein structure as these residues share similar properties. Therefore, based on the currently available information, it is unclear whether this variant is a pathogenic variant or a rare benign variant.